The following is an entry in ClinVar:

NM_183075.3(CYP2U1):c.-22C>A

Genes: CYP2U1-AS1 (CYP2U1 and SGMS2 antisense RNA 1; minus strand), CYP2U1 (cytochrome P450 family 2 subfamily U member 1; plus strand). Cytogenetic location: 4q25.
Variant type: single nucleotide variant.
Coding change: c.-22C>A on transcript NM_183075.3 (MANE Select); 22 bases upstream of the start codon, C replaced by A.
Molecular consequence: 5 prime UTR variant.
Genome position (GRCh38, 1-based): chr4:107,931,622, C>A. VCF-style: chr4-107931622-C-A. GRCh37 (hg19) VCF-style: chr4-108852778-C-A.
Identifiers: ClinVar variation 389852 (VCV000389852.1), dbSNP rs776990308, ClinGen allele CA16605018.

ClinVar aggregate classification (germline): Likely benign (1 of 4 stars; one submission).

Submission:

GeneDx
Classification: Likely benign. Last evaluated: 2016-10-06. Review status: criteria provided, single submitter. Criteria: GeneDx Variant Classification (06012015). Collection method: clinical testing. Allele origin: germline. Affected: yes.
Comment: This variant is considered likely benign or benign based on one or more of the following criteria: it is a conservative change, it occurs at a poorly conserved position in the protein, it is predicted to be benign by multiple in silico algorithms, and/or has population frequency not consistent with disease.